The following is an entry in ClinVar:

ClinVar aggregate classification (germline): Uncertain significance (1 of 4 stars; one submission).

Conditions:
Hypertrophic cardiomyopathy. Also called: HYPERTROPHIC MYOCARDIOPATHY. Identifiers: Orphanet 217569, MedGen C0007194, MeSH D002312, MONDO:0005045, HP:0001639.

Allele frequency attached by ClinVar (database versions not stated): gnomAD exomes below 0.00001.
gnomAD v4.1: 1 of 1,614,124 alleles (0.000062%); highest among the groups gnomAD compares: South Asian, 0.0011%; no homozygotes.

Submission:

Labcorp Genetics (formerly Invitae), Labcorp
Classification: Uncertain significance for Hypertrophic cardiomyopathy. Last evaluated: 2020-10-16. Review status: criteria provided, single submitter. Criteria: Invitae Variant Classification Sherloc (09022015). Collection method: clinical testing. Allele origin: germline.
Comment: In summary, the available evidence is currently insufficient to determine the role of this variant in disease. Therefore, it has been classified as a Variant of Uncertain Significance. Algorithms developed to predict the effect of missense changes on protein structure and function are either unavailable or do not agree on the potential impact of this missense change (SIFT: "Tolerated"; PolyPhen-2: "Probably Damaging"; Align-GVGD: "Class C0"). This variant has not been reported in the literature in individuals with JPH2-related conditions. This variant is not present in population databases (ExAC no frequency). This sequence change replaces lysine with glutamic acid at codon 77 of the JPH2 protein (p.Lys77Glu). The lysine residue is highly conserved and there is a small physicochemical difference between lysine and glutamic acid.

NM_020433.5(JPH2):c.229A>G (p.Lys77Glu)

Gene: JPH2 (junctophilin 2; minus strand). Cytogenetic location: 20q13.12.
Variant type: single nucleotide variant.
Coding change: c.229A>G on transcript NM_020433.5 (MANE Select); coding-DNA position 229, A replaced by G.
Protein change: p.Lys77Glu; replaces lysine 77 with glutamic acid.
Molecular consequence: missense variant.
Genome position (GRCh38, 1-based): chr20:44,186,477, T>C on the plus strand (A>G on the coding strand, the complement: JPH2 is on the minus strand). VCF-style: chr20-44186477-T-C. GRCh37 (hg19) VCF-style: chr20-42815117-T-C.
Other names: c.229A>G, p.Lys77Glu (NM_175913.4); short protein forms K77E.
Identifiers: ClinVar variation 1038498 (VCV001038498.8), dbSNP rs2072844538, ClinGen allele CA409095251.